The following is an entry in ClinVar:

ClinVar aggregate classification (germline): Uncertain significance (0 of 4 stars; one submission).

Conditions:
PAX3-related disorder. Also called: PAX3-related condition.

Submission:

PreventionGenetics, part of Exact Sciences
Classification: Uncertain significance for PAX3-related condition. Last evaluated: 2024-04-30. Review status: no assertion criteria provided. Collection method: clinical testing. Allele origin: germline.
Comment: The PAX3 c.128_129delinsAC variant is predicted to result in an in-frame deletion and insertion. To our knowledge, this variant has not been reported in the literature or in a large population database, indicating this variant is rare. At this time, the clinical significance of this variant is uncertain due to the absence of conclusive functional and genetic evidence.

NM_181458.4(PAX3):c.128_129inv (p.Gly43Asp)

Gene: PAX3 (paired box 3; minus strand). Cytogenetic location: 2q36.1.
Variant type: Inversion.
Coding change: c.128_129inv on transcript NM_181458.4 (MANE Select).
Protein change: p.Gly43Asp; replaces glycine 43 with aspartic acid.
Molecular consequence: missense variant.
Genome position: GRCh38 VCF-style: chr2-222297170-AC-GT. GRCh37 (hg19) VCF-style: chr2-223161889-AC-GT.
Other names: c.128_129inv, p.Gly43Asp (NM_000438.6, NM_001127366.3, NM_013942.5 and 4 more transcripts); short protein forms G43D.
Identifiers: ClinVar variation 3347313 (VCV003347313.1).
Genomic context (GRCh38, chr2:222,297,170, plus strand): 5'-GGCCATCTCCACGATCTTGTGGCGGATGTGGTTGGGCAGCGGCCTGCCGTTGATAAAAAC[AC>GT]CGCCGAGCTGGTTGACGCGGCCCTGGCCGAGGGGAGTGGACACTGTGGGAAGGTGAAAAA-3'
Protein context (NP_852123.1, residues 33-53): LGQGRVNQLG[Gly43Asp]VFINGRPLPN